The following is an entry in ClinVar:

NM_000785.4(CYP27B1):c.228G>A (p.Trp76Ter)

Gene: CYP27B1 (cytochrome P450 family 27 subfamily B member 1; minus strand). Cytogenetic location: 12q14.1.
Variant type: single nucleotide variant.
Coding change: c.228G>A on transcript NM_000785.4 (MANE Select); coding-DNA position 228, G replaced by A.
Protein change: p.Trp76Ter; replaces tryptophan 76 with a stop codon.
Molecular consequence: nonsense.
Genome position (GRCh38, 1-based): chr12:57,766,165, C>T on the plus strand (G>A on the coding strand, the complement: CYP27B1 is on the minus strand). VCF-style: chr12-57766165-C-T. GRCh37 (hg19) VCF-style: chr12-58159948-C-T.
Other names: short protein forms W76*.
Identifiers: ClinVar variation 3673521 (VCV003673521.2).

ClinVar aggregate classification (germline): Pathogenic (1 of 4 stars; one submission).

Submission:

Labcorp Genetics (formerly Invitae), Labcorp
Classification: Pathogenic. Last evaluated: 2024-12-15. Review status: criteria provided, single submitter. Criteria: Invitae Variant Classification Sherloc (09022015). Collection method: clinical testing. Allele origin: germline.
Comment: This sequence change creates a premature translational stop signal (p.Trp76*) in the CYP27B1 gene. It is expected to result in an absent or disrupted protein product. Loss-of-function variants in CYP27B1 are known to be pathogenic (PMID: 9837822, 17488797). This variant is not present in population databases (gnomAD no frequency). This variant has not been reported in the literature in individuals affected with CYP27B1-related conditions. For these reasons, this variant has been classified as Pathogenic.

Literature cited by the submitters: PubMed 9837822; PubMed 17488797.